The following is an entry in ClinVar:

NM_003619.4(PRSS12):c.1999del (p.Ser667fs)

Gene: PRSS12 (serine protease 12; minus strand). Cytogenetic location: 4q26.
Variant type: Deletion.
Coding change: c.1999del on transcript NM_003619.4 (MANE Select); coding-DNA position 1999, one base deleted (A; older notation c.1999delA).
Protein change: p.Ser667fs; shifts the reading frame from serine 667.
Molecular consequence: frameshift variant.
Genome position (GRCh38, 1-based): chr4:118,294,979, T deleted on the plus strand (A on the coding strand, the reverse complement: PRSS12 is on the minus strand). VCF-style (leftmost placement, unchanged base first): chr4-118294978-CT-C. GRCh37 (hg19) VCF-style: chr4-119216133-CT-C.
Other names: c.1999del, p.Ser667fs (NM_001440549.1); short protein forms S667fs.
Identifiers: ClinVar variation 4886245 (VCV004886245.2).
Genomic context (GRCh38, chr4:118,294,978, plus strand): 5'-TTTGGGAAGGTGGACACATACCTCTTGAAACAGTGTGCTGCTGTGAGGACCCAGCAGCTA[CT>C]CAGGAGCGTAGCCCCGCAGAGGAGCCTGCCATCTCCATGGGATGACTTCAGCCGGAGGGA-3'

ClinVar aggregate classification (germline): Uncertain significance (1 of 4 stars; one submission).

Submission:

Dasa
Classification: Uncertain significance. Last evaluated: 2025-12-10. Review status: criteria provided, single submitter. Criteria: DASA Assertion Criteria. Collection method: clinical testing. Allele origin: germline.
Comment: NM_003619.4(PRSS12):c.1999del (p.Ser667Valfs*47) is a frameshift variant in PRSS12 predicted to alter the reading frame and introduce a premature termination codon. This variant is rare in population databases. The currently available literature and clinical evidence are not sufficient to establish a definitive association between this variant and the reported condition. Therefore, this variant is classified as a variant of uncertain significance.